The following is an entry in ClinVar:

NM_001204.7(BMPR2):c.412C>T (p.Pro138Ser)

Gene: BMPR2 (bone morphogenetic protein receptor type 2; plus strand). Cytogenetic location: 2q33.1.
Variant type: single nucleotide variant.
Coding change: c.412C>T on transcript NM_001204.7 (MANE Select); coding-DNA position 412, C replaced by T.
Protein change: p.Pro138Ser; replaces proline 138 with serine.
Molecular consequence: missense variant.
Genome position (GRCh38, 1-based): chr2:202,467,683, C>T. VCF-style: chr2-202467683-C-T. GRCh37 (hg19) VCF-style: chr2-203332406-C-T.
Other names: short protein forms P138S.
Identifiers: ClinVar variation 3481329 (VCV003481329.1).

ClinVar aggregate classification (germline): Uncertain significance (1 of 4 stars; one submission).

Conditions:
Inborn genetic diseases. Identifiers: MedGen C0950123, MeSH D030342.

gnomAD v4.1: 1 of 1,610,098 alleles (0.000062%); highest among the groups gnomAD compares: Non-Finnish European, 0.000085%; no homozygotes.

Submission:

Ambry Genetics
Classification: Uncertain significance for Inborn genetic diseases. Last evaluated: 2024-12-03. Review status: criteria provided, single submitter. Criteria: Ambry Variant Classification Scheme 2023. Collection method: clinical testing. Allele origin: germline.
Comment: The p.P138S variant (also known as c.412C>T), located in coding exon 3 of the BMPR2 gene, results from a C to T substitution at nucleotide position 412. The proline at codon 138 is replaced by serine, an amino acid with similar properties. This amino acid position is conserved. In addition, this alteration is predicted to be tolerated by in silico analysis. Based on the available evidence, the clinical significance of this variant remains unclear.